The following is an entry in ClinVar:

NM_016327.3(UPB1):c.208C>T (p.Arg70Cys)

Gene: UPB1 (beta-ureidopropionase 1; plus strand). Cytogenetic location: 22q11.23.
Variant type: single nucleotide variant.
Coding change: c.208C>T on transcript NM_016327.3 (MANE Select); coding-DNA position 208, C replaced by T.
Protein change: p.Arg70Cys; replaces arginine 70 with cysteine.
Molecular consequence: missense variant.
Genome position (GRCh38, 1-based): chr22:24,500,210, C>T. VCF-style: chr22-24500210-C-T. GRCh37 (hg19) VCF-style: chr22-24896178-C-T.
Other names: short protein forms R70C.
Identifiers: ClinVar variation 1899599 (VCV001899599.6), dbSNP rs755533170, ClinGen allele CA10153039.

ClinVar aggregate classification (germline): Uncertain significance. Review status: criteria provided, multiple submitters, no conflicts (2 of 4 stars). 2 submissions from 2 submitters: Uncertain significance (2). Last evaluated 2022-07-02.

Conditions:
Inborn genetic diseases. Identifiers: MedGen C0950123, MeSH D030342.

Allele frequency attached by ClinVar (database versions not stated): ExAC 0.00001.
gnomAD v4.1: 25 of 1,614,092 alleles (0.0015%); highest among the groups gnomAD compares: African/African-American, 0.004%; no homozygotes.

Submissions (2):

Labcorp Genetics (formerly Invitae), Labcorp
Classification: Uncertain significance. Last evaluated: 2022-07-02. Review status: criteria provided, single submitter. Criteria: Invitae Variant Classification Sherloc (09022015). Collection method: clinical testing. Allele origin: germline.
Comment: In summary, the available evidence is currently insufficient to determine the role of this variant in disease. Therefore, it has been classified as a Variant of Uncertain Significance. Algorithms developed to predict the effect of missense changes on protein structure and function are either unavailable or do not agree on the potential impact of this missense change (SIFT: "Deleterious"; PolyPhen-2: "Probably Damaging"; Align-GVGD: "Class C0"). This variant has not been reported in the literature in individuals affected with UPB1-related conditions. This variant is present in population databases (rs755533170, gnomAD 0.003%). This sequence change replaces arginine, which is basic and polar, with cysteine, which is neutral and slightly polar, at codon 70 of the UPB1 protein (p.Arg70Cys).

Ambry Genetics
Classification: Uncertain significance for Inborn genetic diseases. Last evaluated: 2021-11-15. Review status: criteria provided, single submitter. Criteria: Ambry Variant Classification Scheme 2023. Collection method: clinical testing. Allele origin: germline.